The following is an entry in ClinVar:

NM_001164508.2(NEB):c.18981C>G (p.Tyr6327Ter)

Gene: NEB (nebulin; minus strand). Cytogenetic location: 2q23.3.
Variant type: single nucleotide variant.
Coding change: c.18981C>G on transcript NM_001164508.2 (MANE Select); coding-DNA position 18981, C replaced by G.
Protein change: p.Tyr6327Ter; replaces tyrosine 6327 with a stop codon.
Molecular consequence: nonsense.
Genome position (GRCh38, 1-based): chr2:151,562,125, G>C on the plus strand (C>G on the coding strand, the complement: NEB is on the minus strand). VCF-style: chr2-151562125-G-C. GRCh37 (hg19) VCF-style: chr2-152418639-G-C.
Other names: c.18981C>G, p.Tyr6327Ter (NM_001164507.2, NM_001271208.2); c.13878C>G, p.Tyr4626Ter (NM_004543.5); short protein forms Y6327*, Y4626*.
Identifiers: ClinVar variation 557321 (VCV000557321.4), dbSNP rs761964375, ClinGen allele CA348796638.

ClinVar aggregate classification (germline): Pathogenic. Review status: criteria provided, single submitter (1 of 4 stars). 3 submissions from 3 submitters: Pathogenic (1). 2 of the submissions do not count toward it. Last evaluated 2025-12-27.

Conditions:
Arthrogryposis multiplex congenita 6. Identifiers: MedGen C5543431, MONDO:0030281, OMIM 619334.
Nemaline myopathy 2 (NEM2). Also called: Nemaline myopathy 2, autosomal recessive. Identifiers: MedGen C1850569, MONDO:0009725, OMIM 256030.

Submissions (3):

Labcorp Genetics (formerly Invitae), Labcorp
Classification: Pathogenic for Nemaline myopathy 2. Last evaluated: 2025-12-27. Review status: criteria provided, single submitter. Criteria: Invitae Variant Classification Sherloc (09022015). Collection method: clinical testing. Allele origin: germline.
Comment: This sequence change creates a premature translational stop signal (p.Tyr6327*) in the NEB gene. It is expected to result in an absent or disrupted protein product. Loss-of-function variants in NEB are known to be pathogenic (PMID: 25205138). This variant is not present in population databases (gnomAD no frequency). This premature translational stop signal has been observed in individual(s) with clinical features of nemaline myopathy (PMID: 29274205). ClinVar contains an entry for this variant (Variation ID: 557321). For these reasons, this variant has been classified as Pathogenic.

OMIM
Classification: Pathogenic for ARTHROGRYPOSIS MULTIPLEX CONGENITA 6. Last evaluated: 2021-05-27. Review status: no assertion criteria provided. Collection method: literature only. Allele origin: germline. Not counted in ClinVar's aggregate classification.

Counsyl
Classification: Likely pathogenic for Nemaline myopathy 2. Last evaluated: 2018-03-16. Review status: no assertion criteria provided. Collection method: clinical testing. Allele origin: unknown. Not counted in ClinVar's aggregate classification.

Literature cited by the submitters: PubMed 25205138 (cited by Labcorp Genetics (formerly Invitae), Labcorp and Counsyl); PubMed 29274205 (cited by Labcorp Genetics (formerly Invitae), Labcorp and OMIM).